The following is an entry in ClinVar:

ClinVar aggregate classification (germline): Uncertain significance (1 of 4 stars; one submission).

Submission:

Labcorp Genetics (formerly Invitae), Labcorp
Classification: Uncertain significance. Last evaluated: 2024-04-27. Review status: criteria provided, single submitter. Criteria: Invitae Variant Classification Sherloc (09022015). Collection method: clinical testing. Allele origin: germline.
Comment: This sequence change replaces arginine, which is basic and polar, with glycine, which is neutral and non-polar, at codon 301 of the GABRA2 protein (p.Arg301Gly). This variant is not present in population databases (gnomAD no frequency). This variant has not been reported in the literature in individuals affected with GABRA2-related conditions. An algorithm developed to predict the effect of missense changes on protein structure and function (PolyPhen-2) suggests that this variant is likely to be disruptive. In summary, the available evidence is currently insufficient to determine the role of this variant in disease. Therefore, it has been classified as a Variant of Uncertain Significance.

NM_000807.4(GABRA2):c.901C>G (p.Arg301Gly)

Gene: GABRA2 (gamma-aminobutyric acid type A receptor subunit alpha2; minus strand). Cytogenetic location: 4p12.
Variant type: single nucleotide variant.
Coding change: c.901C>G on transcript NM_000807.4 (MANE Select); coding-DNA position 901, C replaced by G.
Protein change: p.Arg301Gly; replaces arginine 301 with glycine.
Molecular consequence: missense variant.
Genome position (GRCh38, 1-based): chr4:46,262,084, G>C on the plus strand (C>G on the coding strand, the complement: GABRA2 is on the minus strand). VCF-style: chr4-46262084-G-C. GRCh37 (hg19) VCF-style: chr4-46264101-G-C.
Other names: c.901C>G, p.Arg301Gly (NM_001114175.3, NM_001330690.2, NM_001377144.1 and 8 more transcripts); c.736C>G, p.Arg246Gly (NM_001286827.3, NM_001377152.1, NM_001377153.1 and 1 more transcripts); short protein forms R246G, R301G.
Identifiers: ClinVar variation 3651329 (VCV003651329.2).